The following is an entry in ClinVar:

ClinVar aggregate classification (germline): Uncertain significance (1 of 4 stars; one submission).

Submission:

Dasa
Classification: Uncertain significance. Last evaluated: 2025-10-13. Review status: criteria provided, single submitter. Criteria: DASA Assertion Criteria. Collection method: clinical testing. Allele origin: germline.
Comment: NM_002017.5(FLI1):c.231-3509G>T is an intronic variant. This variant is absent from population databases. The currently available literature and clinical evidence are not sufficient to establish a definitive association between this variant and the reported condition. Therefore, this variant is classified as a variant of uncertain significance.

NM_002017.5(FLI1):c.231-3509G>T

Gene: FLI1 (Fli-1 proto-oncogene, ETS transcription factor; plus strand). Cytogenetic location: 11q24.3.
Variant type: single nucleotide variant.
Coding change: c.231-3509G>T on transcript NM_002017.5 (MANE Select); 3509 bases into the intron before coding-DNA position 231, G replaced by T.
Molecular consequence: intron variant.
Genome position (GRCh38, 1-based): chr11:128,764,609, G>T. VCF-style: chr11-128764609-G-T. GRCh37 (hg19) VCF-style: chr11-128634504-G-T.
Other names: c.132-3509G>T (NM_001440370.1, NM_001440371.1, NM_001440369.1 and 1 more transcripts); c.10+6283G>T (NM_001271012.2); c.-139-42G>T (NM_001271010.2); c.231-3509G>T (NM_001440372.1).
Identifiers: ClinVar variation 4882667 (VCV004882667.2).